The following is an entry in ClinVar:

NM_005045.4(RELN):c.9977G>A (p.Arg3326Gln)

Genes: RELN (reelin; minus strand), SLC26A5-AS1 (SLC26A5 antisense RNA 1; plus strand). Cytogenetic location: 7q22.1.
Variant type: single nucleotide variant.
Coding change: c.9977G>A on transcript NM_005045.4 (MANE Select); coding-DNA position 9977, G replaced by A.
Protein change: p.Arg3326Gln; replaces arginine 3326 with glutamine.
Molecular consequence: missense variant.
Genome position (GRCh38, 1-based): chr7:103,486,203, C>T on the plus strand (G>A on the coding strand, the complement: RELN is on the minus strand). VCF-style: chr7-103486203-C-T. GRCh37 (hg19) VCF-style: chr7-103126650-C-T.
Other names: c.9977G>A, p.Arg3326Gln (NM_173054.3); short protein forms R3326Q.
Identifiers: ClinVar variation 1486784 (VCV001486784.9), dbSNP rs766223649, ClinGen allele CA368740945.

ClinVar aggregate classification (germline): Uncertain significance. Review status: criteria provided, multiple submitters, no conflicts (2 of 4 stars). 2 submissions from 2 submitters: Uncertain significance (2). Last evaluated 2024-02-26.

Conditions:
Norman-Roberts syndrome (LIS2). Also called: Lissencephaly 2 (Norman-Roberts type). Identifiers: Orphanet 89844, MedGen C0796089, MONDO:0009760, OMIM 257320.
Familial temporal lobe epilepsy 7. Identifiers: Orphanet 101046, MedGen C4225327, MONDO:0014639, OMIM 616436.

Allele frequency attached by ClinVar (database versions not stated): gnomAD 0.00002; TOPMed 0.00002.
gnomAD v4.1: 7 of 1,613,094 alleles (0.00043%); highest among the groups gnomAD compares: African/African-American, 0.0013%; no homozygotes.

Submissions (2):

Blueprint Genetics
Classification: Uncertain significance. Last evaluated: 2024-02-26. Review status: criteria provided, single submitter. Criteria: ACMG Guidelines, 2015. Collection method: clinical testing. Allele origin: germline.

Labcorp Genetics (formerly Invitae), Labcorp
Classification: Uncertain significance for Familial temporal lobe epilepsy 7; Norman-Roberts syndrome. Last evaluated: 2023-02-14. Review status: criteria provided, single submitter. Criteria: Invitae Variant Classification Sherloc (09022015). Collection method: clinical testing. Allele origin: germline.
Comment: This missense change has been observed in individual(s) with clinical features of RELN-related conditions (PMID: 33994118). ClinVar contains an entry for this variant (Variation ID: 1486784). Advanced modeling of protein sequence and biophysical properties (such as structural, functional, and spatial information, amino acid conservation, physicochemical variation, residue mobility, and thermodynamic stability) performed at Invitae indicates that this missense variant is not expected to disrupt RELN protein function. In summary, the available evidence is currently insufficient to determine the role of this variant in disease. Therefore, it has been classified as a Variant of Uncertain Significance. This sequence change replaces arginine, which is basic and polar, with glutamine, which is neutral and polar, at codon 3326 of the RELN protein (p.Arg3326Gln). This variant is present in population databases (no rsID available, gnomAD 0.003%).

Literature cited by the submitters: PubMed 33994118 (cited by Labcorp Genetics (formerly Invitae), Labcorp).